The following is an entry in ClinVar:

NM_001040108.2(MLH3):c.2184G>T (p.Arg728Ser)

Gene: MLH3 (mutL homolog 3; minus strand). Cytogenetic location: 14q24.3.
Variant type: single nucleotide variant.
Coding change: c.2184G>T on transcript NM_001040108.2 (MANE Select); coding-DNA position 2184, G replaced by T.
Protein change: p.Arg728Ser; replaces arginine 728 with serine.
Molecular consequence: missense variant.
Genome position (GRCh38, 1-based): chr14:75,047,472, C>A on the plus strand (G>T on the coding strand, the complement: MLH3 is on the minus strand). VCF-style: chr14-75047472-C-A. GRCh37 (hg19) VCF-style: chr14-75514175-C-A.
Other names: c.2184G>T, p.Arg728Ser (NM_014381.3); short protein forms R728S.
Identifiers: ClinVar variation 1787312 (VCV001787312.2), dbSNP rs2139567676, ClinGen allele CA390441260.

ClinVar aggregate classification (germline): Uncertain significance (1 of 4 stars; one submission).

Submission:

Ambry Genetics
Classification: Uncertain significance. Last evaluated: 2021-12-11. Review status: criteria provided, single submitter. Criteria: Ambry Variant Classification Scheme 2023. Collection method: clinical testing. Allele origin: germline.
Comment: The p.R728S variant (also known as c.2184G>T), located in coding exon 1 of the MLH3 gene, results from a G to T substitution at nucleotide position 2184. The arginine at codon 728 is replaced by serine, an amino acid with dissimilar properties. This amino acid position is conserved. In addition, this alteration is predicted to be tolerated by in silico analysis. Since supporting evidence is limited at this time, the clinical significance of this alteration remains unclear.